The following is an entry in ClinVar:

ClinVar aggregate classification (germline): Benign. Review status: criteria provided, multiple submitters, no conflicts (2 of 4 stars). 3 submissions from 3 submitters: Benign (2). 1 of the submissions does not count toward it. Last evaluated 2026-02-02.

Conditions:
POP1-related disorder. Also called: POP1-related condition.

Allele frequency attached by ClinVar (database versions not stated): gnomAD exomes 0.03564 and 0.03737; 1000 Genomes Project 30x 0.03654; ExAC 0.03735; 1000 Genomes Project 0.03814; gnomAD 0.04130 and 0.04270; TOPMed 0.04478; ESP Exome Variant Server 0.04629.
gnomAD v4.1: 58,882 of 1,611,048 alleles (3.7%); highest among the groups gnomAD compares: Middle Eastern, 14%; 1,341 homozygotes.

Submissions (3):

Labcorp Genetics (formerly Invitae), Labcorp
Classification: Benign. Last evaluated: 2026-02-02. Review status: criteria provided, single submitter. Criteria: Invitae Variant Classification Sherloc (09022015). Collection method: clinical testing. Allele origin: germline.

Breakthrough Genomics
Classification: Benign. Review status: criteria provided, single submitter. Criteria: ACMG Guidelines, 2015. Collection method: not provided. Allele origin: germline. Inheritance: Autosomal recessive inheritance. Affected: yes.

PreventionGenetics, part of Exact Sciences
Classification: Benign for POP1-related condition. Last evaluated: 2019-12-11. Review status: no assertion criteria provided. Collection method: clinical testing. Allele origin: germline. Not counted in ClinVar's aggregate classification.
Comment: This variant is classified as benign based on ACMG/AMP sequence variant interpretation guidelines (Richards et al. 2015 PMID: 25741868, with internal and published modifications).

NM_001145860.2(POP1):c.2980C>G (p.Leu994Val)

Gene: POP1 (POP1 ribonuclease P/MRP subunit; plus strand). Cytogenetic location: 8q22.2.
Variant type: single nucleotide variant.
Coding change: c.2980C>G on transcript NM_001145860.2 (MANE Select); coding-DNA position 2980, C replaced by G.
Protein change: p.Leu994Val; replaces leucine 994 with valine.
Molecular consequence: missense variant.
Genome position (GRCh38, 1-based): chr8:98,158,176, C>G. VCF-style: chr8-98158176-C-G. GRCh37 (hg19) VCF-style: chr8-99170404-C-G.
Other names: c.2980C>G, p.Leu994Val (NM_001145861.2, NM_015029.3); c.2980C>G (NM_015029.2); short protein forms L994V.
Identifiers: ClinVar variation 1601048 (VCV001601048.11), dbSNP rs17856355, ClinGen allele CA4820941.